The following is an entry in ClinVar:

NM_002471.4(MYH6):c.4168G>A (p.Glu1390Lys)

Gene: MYH6 (myosin heavy chain 6; minus strand). Cytogenetic location: 14q11.2.
Variant type: single nucleotide variant.
Coding change: c.4168G>A on transcript NM_002471.4 (MANE Select); coding-DNA position 4168, G replaced by A.
Protein change: p.Glu1390Lys; replaces glutamic acid 1390 with lysine.
Molecular consequence: missense variant.
Genome position (GRCh38, 1-based): chr14:23,388,866, C>T on the plus strand (G>A on the coding strand, the complement: MYH6 is on the minus strand). VCF-style: chr14-23388866-C-T. GRCh37 (hg19) VCF-style: chr14-23858075-C-T.
Other names: short protein forms E1390K.
Identifiers: ClinVar variation 1054452 (VCV001054452.17), dbSNP rs1475985417, ClinGen allele CA389001288.

ClinVar aggregate classification (germline): Uncertain significance. Review status: criteria provided, multiple submitters, no conflicts (2 of 4 stars). 4 submissions from 4 submitters: Uncertain significance (4). Last evaluated 2026-06-28.

Conditions:
Hypertrophic cardiomyopathy 14. Identifiers: MedGen C2750467, MONDO:0013197, OMIM 613251.
Cardiovascular phenotype. Identifiers: MedGen CN230736.

Allele frequency attached by ClinVar (database versions not stated): gnomAD exomes below 0.00001 and 0.00001; gnomAD 0.00003; TOPMed 0.00002.
gnomAD v4.1: 11 of 1,613,708 alleles (0.00068%); highest among the groups gnomAD compares: African/African-American, 0.0013%; no homozygotes.

Submissions (4):

Ambry Genetics
Classification: Uncertain significance for Cardiovascular phenotype. Last evaluated: 2026-06-28. Review status: criteria provided, single submitter. Criteria: Ambry Variant Classification Scheme 2023. Collection method: clinical testing. Allele origin: germline.

Labcorp Genetics (formerly Invitae), Labcorp
Classification: Uncertain significance for Hypertrophic cardiomyopathy 14. Last evaluated: 2024-10-22. Review status: criteria provided, single submitter. Criteria: Invitae Variant Classification Sherloc (09022015). Collection method: clinical testing. Allele origin: germline.
Comment: This sequence change replaces glutamic acid, which is acidic and polar, with lysine, which is basic and polar, at codon 1390 of the MYH6 protein (p.Glu1390Lys). This variant is present in population databases (no rsID available, gnomAD 0.002%). This variant has not been reported in the literature in individuals affected with MYH6-related conditions. ClinVar contains an entry for this variant (Variation ID: 1054452). Invitae Evidence Modeling of protein sequence and biophysical properties (such as structural, functional, and spatial information, amino acid conservation, physicochemical variation, residue mobility, and thermodynamic stability) indicates that this missense variant is expected to disrupt MYH6 protein function with a positive predictive value of 80%. In summary, the available evidence is currently insufficient to determine the role of this variant in disease. Therefore, it has been classified as a Variant of Uncertain Significance.

AiLife Diagnostics
Classification: Uncertain significance. Last evaluated: 2021-09-02. Review status: criteria provided, single submitter. Criteria: ACMG Guidelines, 2015. Collection method: clinical testing. Allele origin: germline. Affected: yes. Observed: 1 variant allele.

GeneDx
Classification: Uncertain significance. Last evaluated: 2019-12-10. Review status: criteria provided, single submitter. Criteria: GeneDx Variant Classification Process June 2021. Collection method: clinical testing. Allele origin: germline. Affected: yes.
Comment: Has not been previously published as pathogenic or benign to our knowledge; Not observed at a significant frequency in large population cohorts (Lek et al., 2016); In silico analysis, which includes protein predictors and evolutionary conservation, supports a deleterious effect